The following is an entry in ClinVar:

NM_139027.6(ADAMTS13):c.1053C>T (p.Leu351=)

Gene: ADAMTS13 (ADAM metallopeptidase with thrombospondin type 1 motif 13; plus strand). Cytogenetic location: 9q34.2.
Variant type: single nucleotide variant.
Coding change: c.1053C>T on transcript NM_139027.6 (MANE Select); coding-DNA position 1053, C replaced by T.
Protein change: p.Leu351=; no amino-acid change (leucine 351 retained).
Molecular consequence: synonymous variant. On other transcripts: non-coding transcript variant (1).
Genome position (GRCh38, 1-based): chr9:133,432,653, C>T. VCF-style: chr9-133432653-C-T. GRCh37 (hg19) VCF-style: chr9-136297774-C-T.
Other names: p.Leu351=; c.1053C>T, p.Leu351= (NM_139025.5); c.960C>T, p.Leu320= (NM_139026.6).
Identifiers: ClinVar variation 2416282 (VCV002416282.9), dbSNP rs372461655, ClinGen allele CA200926525.

ClinVar aggregate classification (germline): Likely benign. Review status: criteria provided, multiple submitters, no conflicts (2 of 4 stars). 3 submissions from 3 submitters: Likely benign (3). Last evaluated 2026-01-12.

Allele frequency attached by ClinVar (database versions not stated): gnomAD exomes 0.00001; ExAC 0.00004; ESP Exome Variant Server 0.00008; gnomAD 0.00008; TOPMed 0.00012.
gnomAD v4.1: 25 of 1,559,566 alleles (0.0016%); highest among the groups gnomAD compares: African/African-American, 0.026%; no homozygotes.

Submissions (3):

Labcorp Genetics (formerly Invitae), Labcorp
Classification: Likely benign. Last evaluated: 2026-01-12. Review status: criteria provided, single submitter. Criteria: Invitae Variant Classification Sherloc (09022015). Collection method: clinical testing. Allele origin: germline.

Mayo Clinic Laboratories, Mayo Clinic
Classification: Likely benign. Last evaluated: 2025-02-26. Review status: criteria provided, single submitter. Criteria: ACMG Guidelines, 2015. Collection method: clinical testing. Allele origin: germline. Observed: 1 variant allele.
Comment: BP4, BP7

Blueprint Genetics
Classification: Likely benign. Last evaluated: 2020-01-17. Review status: criteria provided, single submitter. Criteria: ACMG Guidelines, 2015. Collection method: clinical testing. Allele origin: germline.